The following is an entry in ClinVar:

ClinVar aggregate classification (germline): Uncertain significance (1 of 4 stars; one submission).

Allele frequency attached by ClinVar (database versions not stated): TOPMed 0.00001.
gnomAD v4.1: 1 of 1,614,172 alleles (0.000062%); highest among the groups gnomAD compares: Non-Finnish European, 0.000085%; no homozygotes.

Submission:

Labcorp Genetics (formerly Invitae), Labcorp
Classification: Uncertain significance. Last evaluated: 2022-03-04. Review status: criteria provided, single submitter. Criteria: Invitae Variant Classification Sherloc (09022015). Collection method: clinical testing. Allele origin: germline.
Comment: This sequence change replaces glutamic acid, which is acidic and polar, with aspartic acid, which is acidic and polar, at codon 487 of the CAD protein (p.Glu487Asp). This variant is not present in population databases (gnomAD no frequency). This variant has not been reported in the literature in individuals affected with CAD-related conditions. Algorithms developed to predict the effect of missense changes on protein structure and function (SIFT, PolyPhen-2, Align-GVGD) all suggest that this variant is likely to be tolerated. In summary, the available evidence is currently insufficient to determine the role of this variant in disease. Therefore, it has been classified as a Variant of Uncertain Significance.

NM_004341.5(CAD):c.1461G>T (p.Glu487Asp)

Gene: CAD (carbamoyl-phosphate synthetase 2, aspartate transcarbamylase, and dihydroorotase; plus strand). Cytogenetic location: 2p23.3.
Variant type: single nucleotide variant.
Coding change: c.1461G>T on transcript NM_004341.5 (MANE Select); coding-DNA position 1461, G replaced by T.
Protein change: p.Glu487Asp; replaces glutamic acid 487 with aspartic acid.
Molecular consequence: missense variant.
Genome position (GRCh38, 1-based): chr2:27,225,084, G>T. VCF-style: chr2-27225084-G-T. GRCh37 (hg19) VCF-style: chr2-27447952-G-T.
Other names: c.1461G>T, p.Glu487Asp (NM_001306079.2); short protein forms E487D.
Identifiers: ClinVar variation 2106939 (VCV002106939.1), dbSNP rs1323391754, ClinGen allele CA346204905.